The following is an entry in ClinVar:

ClinVar aggregate classification (germline): Likely benign (1 of 4 stars; one submission).

Allele frequency attached by ClinVar (database versions not stated): TOPMed 0.00006; ESP Exome Variant Server 0.00008; gnomAD 0.00012; ExAC 0.00013; 1000 Genomes Project 30x 0.00031.

Submission:

CeGaT Center for Human Genetics Tuebingen
Classification: Likely benign. Last evaluated: 2024-04-01. Review status: criteria provided, single submitter. Criteria: CeGaT Center For Human Genetics Tuebingen Variant Classification Criteria Version 2. Collection method: clinical testing. Allele origin: germline. Affected: yes. Observed: 1 variant allele.
Comment: TET3: BP4, BP7

NM_001287491.2(TET3):c.3423G>T (p.Val1141=)

Gene: TET3 (tet methylcytosine dioxygenase 3; plus strand). Cytogenetic location: 2p13.1.
Variant type: single nucleotide variant.
Coding change: c.3423G>T on transcript NM_001287491.2 (MANE Select); coding-DNA position 3423, G replaced by T.
Protein change: p.Val1141=; no amino-acid change (valine 1141 retained).
Molecular consequence: synonymous variant.
Genome position (GRCh38, 1-based): chr2:74,099,431, G>T. VCF-style: chr2-74099431-G-T. GRCh37 (hg19) VCF-style: chr2-74326558-G-T.
Other names: c.3144G>T, p.Val1048= (NM_001366022.1); c.3018G>T, p.Val1006= (NM_144993.1).
Identifiers: ClinVar variation 3234228 (VCV003234228.20), dbSNP rs369361911, ClinGen allele CA1719000.